The following is an entry in ClinVar:

ClinVar aggregate classification (germline): Uncertain significance (1 of 4 stars; one submission).

Allele frequency attached by ClinVar (database versions not stated): gnomAD below 0.00001 and 0.00004; TOPMed 0.00002; ESP Exome Variant Server 0.00008; gnomAD exomes 0.00008 and 0.00016; 1000 Genomes Project 30x 0.00016; ExAC 0.00017; 1000 Genomes Project 0.00020.

Submission:

Labcorp Genetics (formerly Invitae), Labcorp
Classification: Uncertain significance. Last evaluated: 2025-12-08. Review status: criteria provided, single submitter. Criteria: Invitae Variant Classification Sherloc (09022015). Collection method: clinical testing. Allele origin: germline.
Comment: This sequence change replaces arginine, which is basic and polar, with glutamine, which is neutral and polar, at codon 267 of the PLK4 protein (p.Arg267Gln). This variant is present in population databases (rs371026802, gnomAD 0.09%). This variant has not been reported in the literature in individuals affected with PLK4-related conditions. ClinVar contains an entry for this variant (Variation ID: 1038074). An algorithm developed to predict the effect of missense changes on protein structure and function outputs the following: PolyPhen-2: "Benign". The glutamine amino acid residue is found in multiple mammalian species, which suggests that this missense change does not adversely affect protein function. In summary, the available evidence is currently insufficient to determine the role of this variant in disease. Therefore, it has been classified as a Variant of Uncertain Significance.

NM_014264.5(PLK4):c.800G>A (p.Arg267Gln)

Gene: PLK4 (polo like kinase 4; plus strand). Cytogenetic location: 4q28.1.
Variant type: single nucleotide variant.
Coding change: c.800G>A on transcript NM_014264.5 (MANE Select); coding-DNA position 800, G replaced by A.
Protein change: p.Arg267Gln; replaces arginine 267 with glutamine.
Molecular consequence: missense variant.
Genome position (GRCh38, 1-based): chr4:127,886,170, G>A. VCF-style: chr4-127886170-G-A. GRCh37 (hg19) VCF-style: chr4-128807325-G-A.
Other names: c.704G>A, p.Arg235Gln (NM_001190799.2); c.677G>A, p.Arg226Gln (NM_001190801.2); short protein forms R235Q, R267Q, R226Q.
Identifiers: ClinVar variation 1038074 (VCV001038074.3), dbSNP rs371026802, ClinGen allele CA3076638.